The following is an entry in ClinVar:

ClinVar aggregate classification (germline): Uncertain significance (1 of 4 stars; one submission).

Allele frequency attached by ClinVar (database versions not stated): gnomAD exomes below 0.00001; TOPMed below 0.00001.
gnomAD v4.1: 1 of 1,577,548 alleles (0.000063%); highest among the groups gnomAD compares: Non-Finnish European, 0.000085%; no homozygotes.

Submission:

Labcorp Genetics (formerly Invitae), Labcorp
Classification: Uncertain significance. Last evaluated: 2022-04-16. Review status: criteria provided, single submitter. Criteria: Invitae Variant Classification Sherloc (09022015). Collection method: clinical testing. Allele origin: germline.
Comment: In summary, the available evidence is currently insufficient to determine the role of this variant in disease. Therefore, it has been classified as a Variant of Uncertain Significance. Algorithms developed to predict the effect of missense changes on protein structure and function output the following: SIFT: "Tolerated"; PolyPhen-2: "Benign"; Align-GVGD: "Class C0". The threonine amino acid residue is found in multiple mammalian species, which suggests that this missense change does not adversely affect protein function. This variant has not been reported in the literature in individuals affected with NUP85-related conditions. This variant is not present in population databases (gnomAD no frequency). This sequence change replaces methionine, which is neutral and non-polar, with threonine, which is neutral and polar, at codon 47 of the NUP85 protein (p.Met47Thr).

NM_024844.5(NUP85):c.140T>C (p.Met47Thr)

Gene: NUP85 (nucleoporin 85; plus strand). Cytogenetic location: 17q25.1.
Variant type: single nucleotide variant.
Coding change: c.140T>C on transcript NM_024844.5 (MANE Select); coding-DNA position 140, T replaced by C.
Protein change: p.Met47Thr; replaces methionine 47 with threonine.
Molecular consequence: missense variant. On other transcripts: initiator codon variant (1).
Genome position (GRCh38, 1-based): chr17:75,209,835, T>C. VCF-style: chr17-75209835-T-C. GRCh37 (hg19) VCF-style: chr17-73205930-T-C.
Other names: c.2T>C, p.Met1Thr (NM_001303276.2); c.140T>C, p.Met47Thr (NM_001330472.2); short protein forms M1T, M47T.
Identifiers: ClinVar variation 1958732 (VCV001958732.6), dbSNP rs2075203456, ClinGen allele CA400972461.